The following is an entry in ClinVar:

NM_001378452.1(ITPR1):c.4297A>G (p.Ile1433Val)

Gene: ITPR1 (inositol 1,4,5-trisphosphate receptor type 1; plus strand). Cytogenetic location: 3p26.1.
Variant type: single nucleotide variant.
Coding change: c.4297A>G on transcript NM_001378452.1 (MANE Select); coding-DNA position 4297, A replaced by G.
Protein change: p.Ile1433Val; replaces isoleucine 1433 with valine.
Molecular consequence: missense variant.
Genome position (GRCh38, 1-based): chr3:4,697,162, A>G. VCF-style: chr3-4697162-A-G. GRCh37 (hg19) VCF-style: chr3-4738846-A-G.
Other names: c.4270A>G, p.Ile1424Val (NM_001099952.4); c.4252A>G, p.Ile1418Val (NM_001168272.2); c.4225A>G, p.Ile1409Val (NM_002222.7); short protein forms I1409V, I1418V, I1424V, I1433V.
Identifiers: ClinVar variation 4807834 (VCV004807834.1).

ClinVar aggregate classification (germline): Uncertain significance (1 of 4 stars; one submission).

gnomAD v4.1: 4 of 1,610,346 alleles (0.00025%); highest among the groups gnomAD compares: Non-Finnish European, 0.00034%; no homozygotes.

Submission:

Labcorp Genetics (formerly Invitae), Labcorp
Classification: Uncertain significance. Last evaluated: 2026-01-31. Review status: criteria provided, single submitter. Criteria: Invitae Variant Classification Sherloc (09022015). Collection method: clinical testing. Allele origin: germline.
Comment: This sequence change replaces isoleucine, which is neutral and non-polar, with valine, which is neutral and non-polar, at codon 1409 of the ITPR1 protein (p.Ile1409Val). This variant is not present in population databases (gnomAD no frequency). This variant has not been reported in the literature in individuals affected with ITPR1-related conditions. Invitae Evidence Modeling of protein sequence and biophysical properties (such as structural, functional, and spatial information, amino acid conservation, physicochemical variation, residue mobility, and thermodynamic stability) indicates that this missense variant is not expected to disrupt ITPR1 protein function with a negative predictive value of 95%. In summary, the available evidence is currently insufficient to determine the role of this variant in disease. Therefore, it has been classified as a Variant of Uncertain Significance.